The following is an entry in ClinVar:

NM_001003699.4(RREB1):c.763G>A (p.Ala255Thr)

Gene: RREB1 (ras responsive element binding protein 1; plus strand). Cytogenetic location: 6p24.3.
Variant type: single nucleotide variant.
Coding change: c.763G>A on transcript NM_001003699.4 (MANE Select); coding-DNA position 763, G replaced by A.
Protein change: p.Ala255Thr; replaces alanine 255 with threonine.
Molecular consequence: missense variant.
Genome position (GRCh38, 1-based): chr6:7,226,522, G>A. VCF-style: chr6-7226522-G-A. GRCh37 (hg19) VCF-style: chr6-7226755-G-A.
Other names: c.763G>A, p.Ala255Thr (NM_001003698.4, NM_001003700.2, NM_001168344.2); short protein forms A255T.
Identifiers: ClinVar variation 2656197 (VCV002656197.24), dbSNP rs138181401, ClinGen allele CA3625366.

ClinVar aggregate classification (germline): Likely benign (1 of 4 stars; one submission).

Allele frequency attached by ClinVar (database versions not stated): ExAC 0.00024; gnomAD 0.00030; TOPMed 0.00039; gnomAD exomes 0.00054; ESP Exome Variant Server 0.00077.
gnomAD v4.1: 841 of 1,613,980 alleles (0.052%); highest among the groups gnomAD compares: Non-Finnish European, 0.064%; 1 homozygote.

Submission:

CeGaT Center for Human Genetics Tuebingen
Classification: Likely benign. Last evaluated: 2023-05-01. Review status: criteria provided, single submitter. Criteria: CeGaT Center For Human Genetics Tuebingen Variant Classification Criteria Version 2. Collection method: clinical testing. Allele origin: germline. Affected: yes. Observed: 1 variant allele.
Comment: RREB1: BS2